The following is an entry in ClinVar:

ClinVar aggregate classification (germline): Uncertain significance (1 of 4 stars; one submission).

Submission:

GeneDx
Classification: Uncertain significance. Last evaluated: 2026-03-29. Review status: criteria provided, single submitter. Criteria: GeneDx Variant Classification Process June 2021. Collection method: clinical testing. Allele origin: germline.
Comment: Not observed at significant frequency in large population cohorts (gnomAD); In silico analysis supports that this missense variant has a deleterious effect on protein structure/function; Has not been previously published as pathogenic or benign to our knowledge

NM_001271.4(CHD2):c.901G>C (p.Asp301His)

Gene: CHD2 (chromodomain helicase DNA binding protein 2; plus strand). Cytogenetic location: 15q26.1.
Variant type: single nucleotide variant.
Coding change: c.901G>C on transcript NM_001271.4 (MANE Select); coding-DNA position 901, G replaced by C.
Protein change: p.Asp301His; replaces aspartic acid 301 with histidine.
Molecular consequence: missense variant.
Genome position (GRCh38, 1-based): chr15:92,942,917, G>C. VCF-style: chr15-92942917-G-C. GRCh37 (hg19) VCF-style: chr15-93486147-G-C.
Other names: c.901G>C, p.Asp301His (NM_001042572.3); short protein forms D301H.
Identifiers: ClinVar variation 3359341 (VCV003359341.2).